The following is an entry in ClinVar:

NM_014712.3(SETD1A):c.343C>T (p.Arg115Cys)

Gene: SETD1A (SET domain containing 1A, histone lysine methyltransferase; plus strand). Cytogenetic location: 16p11.2.
Variant type: single nucleotide variant.
Coding change: c.343C>T on transcript NM_014712.3 (MANE Select); coding-DNA position 343, C replaced by T.
Protein change: p.Arg115Cys; replaces arginine 115 with cysteine.
Molecular consequence: missense variant.
Genome position (GRCh38, 1-based): chr16:30,961,363, C>T. VCF-style: chr16-30961363-C-T. GRCh37 (hg19) VCF-style: chr16-30972684-C-T.
Other names: short protein forms R115C.
Identifiers: ClinVar variation 1694793 (VCV001694793.31), dbSNP rs375220437, ClinGen allele CA8016370.

ClinVar aggregate classification (germline): Likely benign (1 of 4 stars; one submission).

Allele frequency attached by ClinVar (database versions not stated): ExAC 0.00001; gnomAD exomes 0.00003 and 0.00006; TOPMed 0.00003; gnomAD 0.00005; ESP Exome Variant Server 0.00008.
gnomAD v4.1: 97 of 1,614,054 alleles (0.006%); highest among the groups gnomAD compares: Non-Finnish European, 0.0075%; no homozygotes.

Submission:

CeGaT Center for Human Genetics Tuebingen
Classification: Likely benign. Last evaluated: 2023-07-01. Review status: criteria provided, single submitter. Criteria: CeGaT Center For Human Genetics Tuebingen Variant Classification Criteria Version 2. Collection method: clinical testing. Allele origin: germline. Affected: yes. Observed: 2 variant alleles.
Comment: SETD1A: PP2, BS2